The following is an entry in ClinVar:

NM_015346.4(ZFYVE26):c.7606G>A (p.Gly2536Ser)

Gene: ZFYVE26 (zinc finger FYVE-type containing 26; minus strand). Cytogenetic location: 14q24.1.
Variant type: single nucleotide variant.
Coding change: c.7606G>A on transcript NM_015346.4 (MANE Select); coding-DNA position 7606, G replaced by A.
Protein change: p.Gly2536Ser; replaces glycine 2536 with serine.
Molecular consequence: missense variant.
Genome position (GRCh38, 1-based): chr14:67,748,450, C>T on the plus strand (G>A on the coding strand, the complement: ZFYVE26 is on the minus strand). VCF-style: chr14-67748450-C-T. GRCh37 (hg19) VCF-style: chr14-68215167-C-T.
Other names: p.Gly2536Ser; short protein forms G2536S.
Identifiers: ClinVar variation 2194877 (VCV002194877.2), dbSNP rs150131586, ClinGen allele CA7238909.

ClinVar aggregate classification (germline): Uncertain significance. Review status: criteria provided, multiple submitters, no conflicts (2 of 4 stars). 2 submissions from 2 submitters: Uncertain significance (2). Last evaluated 2025-08-13.

Conditions:
Spastic paraplegia. Identifiers: MedGen C0037772, HP:0001258.

Allele frequency attached by ClinVar (database versions not stated): TOPMed 0.00007; ESP Exome Variant Server 0.00031; ExAC 0.00006; gnomAD exomes below 0.00001; gnomAD 0.00007.
gnomAD v4.1: 16 of 1,612,216 alleles (0.00099%); highest among the groups gnomAD compares: African/African-American, 0.02%; no homozygotes.

Submissions (2):

Mayo Clinic Laboratories, Mayo Clinic
Classification: Uncertain significance. Last evaluated: 2025-08-13. Review status: criteria provided, single submitter. Criteria: ACMG Guidelines, 2015. Collection method: clinical testing. Allele origin: germline. Observed: 1 variant allele.
Comment: BP4_moderate

Labcorp Genetics (formerly Invitae), Labcorp
Classification: Uncertain significance for Spastic paraplegia. Last evaluated: 2021-12-20. Review status: criteria provided, single submitter. Criteria: Invitae Variant Classification Sherloc (09022015). Collection method: clinical testing. Allele origin: germline.
Comment: This sequence change replaces glycine, which is neutral and non-polar, with serine, which is neutral and polar, at codon 2536 of the ZFYVE26 protein (p.Gly2536Ser). This variant is present in population databases (rs150131586, gnomAD 0.03%). This variant has not been reported in the literature in individuals affected with ZFYVE26-related conditions. Algorithms developed to predict the effect of missense changes on protein structure and function output the following: SIFT: "Tolerated"; PolyPhen-2: "Benign"; Align-GVGD: "Class C0". The serine amino acid residue is found in multiple mammalian species, which suggests that this missense change does not adversely affect protein function. In summary, the available evidence is currently insufficient to determine the role of this variant in disease. Therefore, it has been classified as a Variant of Uncertain Significance.